The following is an entry in ClinVar:

NM_004183.4(BEST1):c.1193C>T (p.Ser398Phe)

Gene: BEST1 (bestrophin 1; plus strand). Cytogenetic location: 11q12.3.
Variant type: single nucleotide variant.
Coding change: c.1193C>T on transcript NM_004183.4 (MANE Select); coding-DNA position 1193, C replaced by T.
Protein change: p.Ser398Phe; replaces serine 398 with phenylalanine.
Molecular consequence: missense variant. On other transcripts: non-coding transcript variant (1).
Genome position (GRCh38, 1-based): chr11:61,962,347, C>T. VCF-style: chr11-61962347-C-T. GRCh37 (hg19) VCF-style: chr11-61729819-C-T.
Other names: c.1013C>T, p.Ser338Phe (NM_001139443.3, NM_001300787.2); c.932C>T, p.Ser311Phe (NM_001300786.2); c.875C>T, p.Ser292Phe (NM_001363591.3); c.*88C>T (NM_001363592.2); c.221C>T, p.Ser74Phe (NM_001363593.3); short protein forms S292F, S311F, S338F, S398F, S74F.
Identifiers: ClinVar variation 846470 (VCV000846470.11), dbSNP rs199890510, ClinGen allele CA6041016.

ClinVar aggregate classification (germline): Uncertain significance. Review status: criteria provided, multiple submitters, no conflicts (2 of 4 stars). 4 submissions from 4 submitters: Uncertain significance (4). Last evaluated 2026-09-11.

Conditions:
Retinal dystrophy. Also called: Inherited retinal dystrophy. Identifiers: Orphanet 71862, MedGen C0854723, MeSH D058499, MONDO:0019118, HP:0000556.
BEST1-related disorder. Also called: BEST1-related condition; BEST1-related disorders. Identifiers: MedGen CN239200.

Allele frequency attached by ClinVar (database versions not stated): gnomAD exomes 0.00012 and 0.00029; gnomAD 0.00013 and 0.00014; TOPMed 0.00014; 1000 Genomes Project 30x 0.00016; 1000 Genomes Project 0.00020; ESP Exome Variant Server 0.00023; ExAC 0.00046.
gnomAD v4.1: 207 of 1,614,188 alleles (0.013%); highest among the groups gnomAD compares: Middle Eastern, 0.066%; no homozygotes.

Submissions (4):

PreventionGenetics, part of Exact Sciences
Classification: Uncertain significance for BEST1-related condition. Last evaluated: 2026-09-11. Review status: criteria provided, single submitter. Criteria: ACMG Guidelines, 2015. Collection method: clinical testing. Allele origin: germline.
Comment: The BEST1 c.1193C>T variant is predicted to result in the amino acid substitution p.Ser398Phe. This variant has been reported in the heterozygous state in an individual with dry age-related macular degeneration (Kersten et al. 2018. PubMed ID: 30215852). This variant is reported in 0.052% of alleles in individuals of European (Non-Finnish) descent in gnomAD, which may be too frequent to be a primary cause of disease. At this time, the clinical significance of this variant is uncertain due to the absence of conclusive functional and genetic evidence.

Labcorp Genetics (formerly Invitae), Labcorp
Classification: Uncertain significance. Last evaluated: 2025-06-15. Review status: criteria provided, single submitter. Criteria: Invitae Variant Classification Sherloc (09022015). Collection method: clinical testing. Allele origin: germline.
Comment: This sequence change replaces serine, which is neutral and polar, with phenylalanine, which is neutral and non-polar, at codon 398 of the BEST1 protein (p.Ser398Phe). This variant is present in population databases (rs199890510, gnomAD 0.05%). This missense change has been observed in individual(s) with macular dystrophy (PMID: 30215852). ClinVar contains an entry for this variant (Variation ID: 846470). Invitae Evidence Modeling of protein sequence and biophysical properties (such as structural, functional, and spatial information, amino acid conservation, physicochemical variation, residue mobility, and thermodynamic stability) indicates that this missense variant is expected to disrupt BEST1 protein function with a positive predictive value of 95%. In summary, the available evidence is currently insufficient to determine the role of this variant in disease. Therefore, it has been classified as a Variant of Uncertain Significance.

Blueprint Genetics
Classification: Uncertain significance. Last evaluated: 2023-09-26. Review status: criteria provided, single submitter. Criteria: ACMG Guidelines, 2015. Collection method: clinical testing. Allele origin: germline.

Institute of Human Genetics, Univ. Regensburg, Univ. Regensburg
Classification: Uncertain significance for Retinal dystrophy. Last evaluated: 2021-01-01. Review status: criteria provided, single submitter. Criteria: ACMG Guidelines, 2015. Collection method: clinical testing. Allele origin: germline. Affected: yes.

Literature cited by the submitters: PubMed 30215852 (cited by Labcorp Genetics (formerly Invitae), Labcorp and Institute of Human Genetics, Univ. Regensburg, Univ. Regensburg).